The following is an entry in ClinVar:

ClinVar aggregate classification (germline): Uncertain significance. Review status: criteria provided, multiple submitters, no conflicts (2 of 4 stars). 5 submissions from 5 submitters: Uncertain significance (5). Last evaluated 2025-06-06.

Conditions:
Drash syndrome (DDS). Also called: WILMS TUMOR AND PSEUDO- OR TRUE HERMAPHRODITISM; NEPHROPATHY, WILMS TUMOR, AND GENITAL ANOMALIES. Identifiers: Orphanet 220, MedGen C0950121, MONDO:0008682, OMIM 194080.
Wilms tumor 1 (WT1). Also called: Wilms tumor, somatic. Identifiers: Orphanet 654, MedGen CN033288, MONDO:0008679, OMIM 194070.
11p partial monosomy syndrome (WAGR). Also called: WAGR Complex; WAGR syndrome; WAGR Spectrum Disorder; CHROMOSOME 11p13 DELETION SYNDROME. Identifiers: Orphanet 893, MedGen C0206115, MONDO:0008681, OMIM 194072.
Frasier syndrome. Identifiers: Orphanet 347, MedGen C0950122, MeSH D052159, MONDO:0007635, OMIM 136680.
Inborn genetic diseases. Identifiers: MedGen C0950123, MeSH D030342.
Meacham syndrome. Also called: Meacham Winn Culler syndrome. Identifiers: Orphanet 3097, MedGen C1837026, MONDO:0012164, OMIM 608978.
Mesothelioma, malignant (MESOM). Also called: Malignant mesothelioma (disease). Identifiers: Orphanet 50251, MedGen C0345967, MONDO:0006292, OMIM 156240, HP:0100001.
Nephrotic syndrome, type 4 (NPHS4). Also called: Familial mesangial sclerosis; Nephrotic syndrome, early onset with diffuse mesangial sclerosis. Identifiers: Orphanet 656, MedGen C3151568, MONDO:0009733, OMIM 256370.
Aniridia 1 (AN1). Identifiers: Orphanet 250923, MedGen C0344542, MONDO:0024507, OMIM 106210.

Allele frequency attached by ClinVar (database versions not stated): ExAC 0.00002; TOPMed 0.00001; gnomAD exomes 0.00001.
gnomAD v4.1: 8 of 1,614,210 alleles (0.0005%); highest among the groups gnomAD compares: Admixed American, 0.005%; no homozygotes.

Submissions (5):

Ambry Genetics
Classification: Uncertain significance for Inborn genetic diseases. Last evaluated: 2025-06-06. Review status: criteria provided, single submitter. Criteria: Ambry Variant Classification Scheme 2023. Collection method: clinical testing. Allele origin: germline.
Comment: The p.K491R variant (also known as c.1472A>G), located in coding exon 10 of the WT1 gene, results from an A to G substitution at nucleotide position 1472. The lysine at codon 491 is replaced by arginine, an amino acid with highly similar properties. This amino acid position is highly conserved in available vertebrate species. In addition, the in silico prediction for this alteration is inconclusive. Based on the available evidence, the clinical significance of this variant remains unclear.

Labcorp Genetics (formerly Invitae), Labcorp
Classification: Uncertain significance for Wilms tumor 1; Drash syndrome; 11p partial monosomy syndrome; Frasier syndrome. Last evaluated: 2024-08-04. Review status: criteria provided, single submitter. Criteria: Invitae Variant Classification Sherloc (09022015). Collection method: clinical testing. Allele origin: germline.
Comment: This sequence change replaces lysine, which is basic and polar, with arginine, which is basic and polar, at codon 491 of the WT1 protein (p.Lys491Arg). This variant is present in population databases (rs760370132, gnomAD 0.002%). This variant has not been reported in the literature in individuals affected with WT1-related conditions. ClinVar contains an entry for this variant (Variation ID: 655847). An algorithm developed to predict the effect of missense changes on protein structure and function (PolyPhen-2) suggests that this variant is likely to be disruptive. In summary, the available evidence is currently insufficient to determine the role of this variant in disease. Therefore, it has been classified as a Variant of Uncertain Significance.

GeneDx
Classification: Uncertain significance. Last evaluated: 2023-11-14. Review status: criteria provided, single submitter. Criteria: GeneDx Variant Classification Process June 2021. Collection method: clinical testing. Allele origin: germline. Affected: yes.
Comment: Not observed at significant frequency in large population cohorts (gnomAD); In silico analysis supports that this missense variant does not alter protein structure/function; Has not been previously published as pathogenic or benign to our knowledge; This variant is associated with the following publications: (PMID: 32493750)

All of Us Research Program, National Institutes of Health
Classification: Uncertain significance for Wilms tumor 1. Last evaluated: 2023-05-04. Review status: criteria provided, single submitter. Criteria: ACMG Guidelines, 2015. Collection method: clinical testing. Allele origin: germline. Inheritance: Autosomal dominant inheritance. Observed: 1 variant allele, 1 heterozygote.
Comment: This missense variant replaces lysine with arginine at codon 491 in the WT1 protein. Computational prediction suggests that this variant may not impact protein structure and function (internally defined REVEL score threshold <= 0.5, PMID: 27666373). To our knowledge, functional studies have not been reported for this variant. This variant has not been reported in individuals affected with WT1-related disorders in the literature. This variant has been identified in 2/251444 chromosomes in the general population by the Genome Aggregation Database (gnomAD). The available evidence is insufficient to determine the role of this variant in disease conclusively. Therefore, this variant is classified as a Variant of Uncertain Significance.

This study involves interpretation of variants in research participants for the purpose of population health screening. Participant phenotype was not available at the time of variant classification. Additional details can be found in publication PMID: 35346344, PMCID: PMC8962531

Fulgent Genetics
Classification: Uncertain significance for Aniridia 1; Frasier syndrome; Mesothelioma, malignant; Wilms tumor 1; 11p partial monosomy syndrome; Drash syndrome; Nephrotic syndrome, type 4; Meacham syndrome. Last evaluated: 2021-10-22. Review status: criteria provided, single submitter. Criteria: ACMG Guidelines, 2015. Collection method: clinical testing. Allele origin: unknown.

NM_024426.6(WT1):c.1487A>G (p.Lys496Arg)

Gene: WT1 (WT1 transcription factor; minus strand). Cytogenetic location: 11p13.
Variant type: single nucleotide variant.
Coding change: c.1487A>G on transcript NM_024426.6 (MANE Select); coding-DNA position 1487, A replaced by G.
Protein change: p.Lys496Arg; replaces lysine 496 with arginine.
Molecular consequence: missense variant. On other transcripts: non-coding transcript variant (1).
Genome position (GRCh38, 1-based): chr11:32,389,140, T>C on the plus strand (A>G on the coding strand, the complement: WT1 is on the minus strand). VCF-style: chr11-32389140-T-C. GRCh37 (hg19) VCF-style: chr11-32410686-T-C.
Other names: c.1427A>G, p.Lys476Arg (NM_000378.6); c.827A>G, p.Lys276Arg (NM_001198551.2); c.785A>G, p.Lys262Arg (NM_001198552.2); c.299A>G, p.Lys100Arg (NM_001367854.1); c.1472A>G, p.Lys491Arg (NM_001407044.1); c.1436A>G, p.Lys479Arg (NM_001407045.1); c.1394A>G, p.Lys465Arg (NM_001407046.1); c.1355A>G, p.Lys452Arg (NM_001407047.1); and 6 more; short protein forms K476R, K496R, K262R, K493R, K100R, K276R, K438R, K452R.
Identifiers: ClinVar variation 655847 (VCV000655847.12), dbSNP rs760370132, ClinGen allele CA064641.